The following is an entry in ClinVar:

NM_025114.4(CEP290):c.1274G>A (p.Arg425Lys)

Gene: CEP290 (centrosomal protein 290; minus strand). Cytogenetic location: 12q21.32.
Variant type: single nucleotide variant.
Coding change: c.1274G>A on transcript NM_025114.4 (MANE Select); coding-DNA position 1274, G replaced by A.
Protein change: p.Arg425Lys; replaces arginine 425 with lysine.
Molecular consequence: missense variant.
Genome position (GRCh38, 1-based): chr12:88,121,082, C>T on the plus strand (G>A on the coding strand, the complement: CEP290 is on the minus strand). VCF-style: chr12-88121082-C-T. GRCh37 (hg19) VCF-style: chr12-88514859-C-T.
Other names: short protein forms R425K.
Identifiers: ClinVar variation 4995229 (VCV004995229.1).
Genomic context (GRCh38, chr12:88,121,082, plus strand): 5'-AGAGCCTCAACTAATTCTTTATCCTTTTCCCTAGCATCAGCCTCAGCCAGTTCAGCTGTT[C>T]TCTCAGCCTCTTTAGTTTTCTCTTTTAAAATGTCTAACGTTGACTGAATTTTCATATGAG-3'
Protein context (NP_079390.3, residues 415-435): ILKEKTKEAE[Arg425Lys]TAELAEADAR

ClinVar aggregate classification (germline): Uncertain significance (1 of 4 stars; one submission).

Conditions:
CEP290-related disorder. Also called: CEP290-related condition; CEP290-related disorders. Identifiers: MedGen CN239314.

Submission:

PreventionGenetics, part of Exact Sciences
Classification: Uncertain significance for CEP290-related condition. Last evaluated: 2026-08-19. Review status: criteria provided, single submitter. Criteria: ACMG Guidelines, 2015. Collection method: clinical testing. Allele origin: germline.
Comment: The CEP290 c.1274G>A variant is predicted to result in the amino acid substitution p.Arg425Lys. To our knowledge, this variant has not been reported in the literature or in a large population database (gnomAD), indicating this variant is rare. At this time, the clinical significance of this variant is uncertain due to the absence of conclusive functional and genetic evidence.